The following is an entry in ClinVar:

ClinVar aggregate classification (germline): Uncertain significance. Review status: criteria provided, multiple submitters, no conflicts (2 of 4 stars). 3 submissions from 3 submitters: Uncertain significance (3). Last evaluated 2025-07-24.

Allele frequency attached by ClinVar (database versions not stated): ExAC 0.00006; gnomAD 0.00006; TOPMed 0.00005; gnomAD exomes 0.00005 and 0.00012; ESP Exome Variant Server 0.00008.
gnomAD v4.1: 179 of 1,613,206 alleles (0.011%); highest among the groups gnomAD compares: Non-Finnish European, 0.015%; no homozygotes.

Submissions (3):

Revvity Omics, Revvity
Classification: Uncertain significance. Last evaluated: 2025-07-24. Review status: criteria provided, single submitter. Criteria: ACMG Guidelines, 2015. Collection method: clinical testing. Allele origin: germline.

GeneDx
Classification: Uncertain significance. Last evaluated: 2019-03-28. Review status: criteria provided, single submitter. Criteria: GeneDx Variant Classification Process June 2021. Collection method: clinical testing. Allele origin: germline. Affected: yes.
Comment: Has not been previously published as pathogenic or benign to our knowledge; In silico analysis, which includes protein predictors and evolutionary conservation, supports that this variant does not alter protein structure/function

Eurofins Ntd Llc (ga)
Classification: Uncertain significance. Last evaluated: 2016-09-19. Review status: criteria provided, single submitter. Criteria: EGL Classification Definitions 2015. Collection method: clinical testing. Allele origin: germline. Observed: 1 variant allele, 1 heterozygote.

NM_182961.4(SYNE1):c.8659A>C (p.Ile2887Leu)

Genes: SYNE1 (spectrin repeat containing nuclear envelope protein 1; minus strand), SYNE1-AS1 (SYNE1 antisense RNA 1; plus strand). Cytogenetic location: 6q25.2.
Variant type: single nucleotide variant.
Coding change: c.8659A>C on transcript NM_182961.4 (MANE Select); coding-DNA position 8659, A replaced by C.
Protein change: p.Ile2887Leu; replaces isoleucine 2887 with leucine.
Molecular consequence: missense variant. On other transcripts: non-coding transcript variant (1).
Genome position (GRCh38, 1-based): chr6:152,381,356, T>G on the plus strand (A>C on the coding strand, the complement: SYNE1 is on the minus strand). VCF-style: chr6-152381356-T-G. GRCh37 (hg19) VCF-style: chr6-152702491-T-G.
Other names: c.8680A>C, p.Ile2894Leu (NM_033071.5); short protein forms I2894L, I2887L.
Identifiers: ClinVar variation 290492 (VCV000290492.8), dbSNP rs149218610, ClinGen allele CA4057485.